The following is an entry in ClinVar:

NM_014365.3(HSPB8):c.*881C>T

Gene: HSPB8 (heat shock protein family B (small) member 8; plus strand). Cytogenetic location: 12q24.23.
Variant type: single nucleotide variant.
Coding change: c.*881C>T on transcript NM_014365.3 (MANE Select); 881 bases downstream of the stop codon, C replaced by T.
Molecular consequence: 3 prime UTR variant.
Genome position (GRCh38, 1-based): chr12:119,194,739, C>T. VCF-style: chr12-119194739-C-T. GRCh37 (hg19) VCF-style: chr12-119632544-C-T.
Identifiers: ClinVar variation 3030400 (VCV003030400.2), dbSNP rs949273182, ClinGen allele CA244346052.

ClinVar aggregate classification (germline): Likely benign (0 of 4 stars; one submission).

Conditions:
HSPB8-related disorder. Also called: HSPB8-related condition.

Allele frequency attached by ClinVar (database versions not stated): gnomAD 0.00003; gnomAD exomes 0.00004; TOPMed 0.00004.
gnomAD v4.1: 15 of 418,866 alleles (0.0036%); highest among the groups gnomAD compares: Middle Eastern, 0.062%; no homozygotes.

Submission:

PreventionGenetics, part of Exact Sciences
Classification: Likely benign for HSPB8-related condition. Last evaluated: 2021-04-07. Review status: no assertion criteria provided. Collection method: clinical testing. Allele origin: germline.
Comment: This variant is classified as likely benign based on ACMG/AMP sequence variant interpretation guidelines (Richards et al. 2015 PMID: 25741868, with internal and published modifications).